The following is an entry in ClinVar:

ClinVar aggregate classification (germline): Likely benign (1 of 4 stars; one submission).

Conditions:
Familial cancer of breast. Also called: hereditary breast carcinoma; Hereditary breast cancer; BREAST CANCER, FAMILIAL. Identifiers: Orphanet 227535, MedGen C0346153, MONDO:0016419, OMIM 114480. Disease mechanism: loss of function.

Submission:

Myriad Genetics, Inc.
Classification: Likely benign for Familial cancer of breast. Last evaluated: 2024-08-23. Review status: criteria provided, single submitter. Criteria: Myriad Autosomal Dominant, Autosomal Recessive and X-Linked Classification Criteria (2023). Collection method: clinical testing. Allele origin: unknown.
Comment: This variant is considered likely benign. This variant is intronic and is not expected to impact mRNA splicing.

NM_032043.3(BRIP1):c.1141-11T>C

Gene: BRIP1 (BRCA1 interacting DNA helicase 1; minus strand). Cytogenetic location: 17q23.2.
Variant type: single nucleotide variant.
Coding change: c.1141-11T>C on transcript NM_032043.3 (MANE Select); 11 bases into the intron before coding-DNA position 1141, T replaced by C.
Molecular consequence: intron variant.
Genome position (GRCh38, 1-based): chr17:61,799,310, A>G on the plus strand (T>C on the coding strand, the complement: BRIP1 is on the minus strand). VCF-style: chr17-61799310-A-G. GRCh37 (hg19) VCF-style: chr17-59876671-A-G.
Identifiers: ClinVar variation 3378645 (VCV003378645.1).